The following is an entry in ClinVar:

NM_003001.5(SDHC):c.161C>T (p.Pro54Leu)

Gene: SDHC (succinate dehydrogenase complex subunit C; plus strand). Cytogenetic location: 1q23.3.
Variant type: single nucleotide variant.
Coding change: c.161C>T on transcript NM_003001.5 (MANE Select); coding-DNA position 161, C replaced by T.
Protein change: p.Pro54Leu; replaces proline 54 with leucine.
Molecular consequence: missense variant. On other transcripts: non-coding transcript variant (1), intron variant (4).
Genome position (GRCh38, 1-based): chr1:161,328,479, C>T. VCF-style: chr1-161328479-C-T. GRCh37 (hg19) VCF-style: chr1-161298269-C-T.
Other names: c.161C>T, p.Pro54Leu (NM_001035511.3, NM_001407115.1); c.104C>T, p.Pro35Leu (NM_001407116.1, NM_001407117.1, NM_001407121.1); c.50C>T, p.Pro17Leu (NM_001407119.1, NM_001407120.1); c.77+4809C>T (NM_001035512.3, NM_001278172.3, NM_001407118.1); c.21-12115C>T (NM_001035513.3); short protein forms P54L, P35L, P17L.
Identifiers: ClinVar variation 2447630 (VCV002447630.3), dbSNP rs2102307952, ClinGen allele CA343361290.

ClinVar aggregate classification (germline): Uncertain significance (1 of 4 stars; one submission).

Conditions:
Hereditary cancer-predisposing syndrome. Also called: Neoplastic Syndromes, Hereditary; Hereditary Cancer Syndrome; Tumor predisposition; Hereditary neoplastic syndrome. Identifiers: Orphanet 140162, MedGen C0027672, MeSH D009386, MONDO:0015356.

Submission:

Ambry Genetics
Classification: Uncertain significance for Hereditary cancer-predisposing syndrome. Last evaluated: 2025-12-04. Review status: criteria provided, single submitter. Criteria: Ambry Variant Classification Scheme 2023. Collection method: clinical testing. Allele origin: germline.
Comment: The p.P54L variant (also known as c.161C>T), located in coding exon 3 of the SDHC gene, results from a C to T substitution at nucleotide position 161. The proline at codon 54 is replaced by leucine, an amino acid with similar properties. This amino acid position is highly conserved in available vertebrate species. In addition, this alteration is predicted to be deleterious by in silico analysis. Based on the available evidence, the clinical significance of this variant remains unclear.